The following is an entry in ClinVar:

NM_001267550.2(TTN):c.7594+20T>A

Gene: TTN (titin; minus strand). Cytogenetic location: 2q31.2.
Variant type: single nucleotide variant.
Coding change: c.7594+20T>A on transcript NM_001267550.2 (MANE Select); 20 bases into the intron after coding-DNA position 7594, T replaced by A.
Molecular consequence: intron variant.
Genome position (GRCh38, 1-based): chr2:178,773,442, A>T on the plus strand (T>A on the coding strand, the complement: TTN is on the minus strand). VCF-style: chr2-178773442-A-T. GRCh37 (hg19) VCF-style: chr2-179638169-A-T.
Other names: c.7456+20T>A (NM_003319.4, NM_133437.4, NM_133432.3); c.7594+20T>A (NM_133378.4, NM_001256850.1, NM_133379.5).
Identifiers: ClinVar variation 4793063 (VCV004793063.2).

ClinVar aggregate classification (germline): Likely benign. Review status: criteria provided, multiple submitters, no conflicts (2 of 4 stars). 2 submissions from 2 submitters: Likely benign (2). Last evaluated 2026-05-01.

Conditions:
Autosomal recessive limb-girdle muscular dystrophy type 2J (LGMDR10). Also called: Limb-girdle muscular dystrophy, type 2J; MUSCULAR DYSTROPHY, LIMB-GIRDLE, AUTOSOMAL RECESSIVE 10. Identifiers: Orphanet 140922, MedGen C1837342, MONDO:0012127, OMIM 608807.
Dilated cardiomyopathy 1G (CMD1G). Identifiers: Orphanet 154, MedGen C1858763, MONDO:0011400, OMIM 604145.

gnomAD v4.1: 15 of 1,613,898 alleles (0.00093%); highest among the groups gnomAD compares: South Asian, 0.016%; no homozygotes.

Submissions (2):

Women's Health and Genetics/Laboratory Corporation of America, LabCorp
Classification: Likely benign. Last evaluated: 2026-05-01. Review status: criteria provided, single submitter. Criteria: LabCorp Variant Classification Summary - May 2015. Collection method: clinical testing. Allele origin: germline.
Comment: Variant summary: TTN c.7594+20T>A alters a non-conserved nucleotide located at a position not widely known to affect splicing. Consensus agreement among computation tools predict no significant impact on normal splicing. However, these predictions have yet to be confirmed by functional studies. The variant allele was found at a frequency of 2e-05 in 250652 control chromosomes. The available data on variant occurrences in the general population are insufficient to allow any conclusion about variant significance. To our knowledge, no occurrence of c.7594+20T>A in individuals affected with TTN-related conditions and no experimental evidence demonstrating its impact on protein function have been reported. ClinVar contains an entry for this variant (Variation ID: 4793063). Based on the evidence outlined above, the variant was classified as likely benign.

Labcorp Genetics (formerly Invitae), Labcorp
Classification: Likely benign for Dilated cardiomyopathy 1G; Autosomal recessive limb-girdle muscular dystrophy type 2J. Last evaluated: 2026-01-02. Review status: criteria provided, single submitter. Criteria: Invitae Variant Classification Sherloc (09022015). Collection method: clinical testing. Allele origin: germline.